The following is an entry in ClinVar:

ClinVar aggregate classification (germline): Uncertain significance. Review status: criteria provided, multiple submitters, no conflicts (2 of 4 stars). 2 submissions from 2 submitters: Uncertain significance (2). Last evaluated 2026-01-06.

Conditions:
Hereditary cancer-predisposing syndrome. Also called: Neoplastic Syndromes, Hereditary; Tumor predisposition; Hereditary neoplastic syndrome; Hereditary Cancer Syndrome. Identifiers: Orphanet 140162, MedGen C0027672, MeSH D009386, MONDO:0015356.

Submissions (2):

Labcorp Genetics (formerly Invitae), Labcorp
Classification: Uncertain significance. Last evaluated: 2026-01-06. Review status: criteria provided, single submitter. Criteria: Invitae Variant Classification Sherloc (09022015). Collection method: clinical testing. Allele origin: germline.
Comment: This sequence change replaces leucine, which is neutral and non-polar, with valine, which is neutral and non-polar, at codon 408 of the POLE protein (p.Leu408Val). This variant is not present in population databases (gnomAD no frequency). This variant has not been reported in the literature in individuals affected with POLE-related conditions. ClinVar contains an entry for this variant (Variation ID: 663313). Invitae Evidence Modeling of protein sequence and biophysical properties (such as structural, functional, and spatial information, amino acid conservation, physicochemical variation, residue mobility, and thermodynamic stability) has been performed for this missense variant. However, the output from this modeling did not meet the statistical confidence thresholds required to predict the impact of this variant on POLE protein function. In summary, the available evidence is currently insufficient to determine the role of this variant in disease. Therefore, it has been classified as a Variant of Uncertain Significance.

Ambry Genetics
Classification: Uncertain significance for Hereditary cancer-predisposing syndrome. Last evaluated: 2024-11-14. Review status: criteria provided, single submitter. Criteria: Ambry Variant Classification Scheme 2023. Collection method: clinical testing. Allele origin: germline.
Comment: The p.L408V variant (also known as c.1222C>G), located in coding exon 12 of the POLE gene, results from a C to G substitution at nucleotide position 1222. The leucine at codon 408 is replaced by valine, an amino acid with highly similar properties. This amino acid position is highly conserved in available vertebrate species. In addition, this alteration is predicted to be tolerated by in silico analysis. Based on the available evidence, the clinical significance of this variant remains unclear.

NM_006231.4(POLE):c.1222C>G (p.Leu408Val)

Gene: POLE (DNA polymerase epsilon, catalytic subunit; minus strand). Cytogenetic location: 12q24.33.
Variant type: single nucleotide variant.
Coding change: c.1222C>G on transcript NM_006231.4 (MANE Select); coding-DNA position 1222, C replaced by G.
Protein change: p.Leu408Val; replaces leucine 408 with valine.
Molecular consequence: missense variant.
Genome position (GRCh38, 1-based): chr12:132,675,402, G>C on the plus strand (C>G on the coding strand, the complement: POLE is on the minus strand). VCF-style: chr12-132675402-G-C. GRCh37 (hg19) VCF-style: chr12-133251988-G-C.
Other names: short protein forms L408V.
Identifiers: ClinVar variation 663313 (VCV000663313.12), dbSNP rs1593076655, ClinGen allele CA387360655.
Genomic context (GRCh38, chr12:132,675,402, plus strand): 5'-CTTCAGATCTCGCTCACGGACAGCAGTGAGGAGCCATGCTGCTCTGTGGCCCCTACCTGA[G>C]GCAGTCCATGTGGATGCACTGGGGCGCCTTGTACTCCCCCTGGCTGTCCTTCTGGAAGCC-3'
Protein context (NP_006222.2, residues 398-418): KAPQCIHMDC[Leu408Val]RWVKRDSYLP